The following is an entry in ClinVar:

ClinVar aggregate classification (germline): Uncertain significance (1 of 4 stars; one submission).

Allele frequency attached by ClinVar (database versions not stated): TOPMed 0.00001; ExAC 0.00002; gnomAD exomes 0.00002; gnomAD 0.00003; 1000 Genomes Project 30x 0.00016; 1000 Genomes Project 0.00020.

Submission:

Labcorp Genetics (formerly Invitae), Labcorp
Classification: Uncertain significance. Last evaluated: 2022-10-19. Review status: criteria provided, single submitter. Criteria: Invitae Variant Classification Sherloc (09022015). Collection method: clinical testing. Allele origin: germline.
Comment: This sequence change replaces valine, which is neutral and non-polar, with methionine, which is neutral and non-polar, at codon 150 of the MMP14 protein (p.Val150Met). This variant is present in population databases (rs189387225, gnomAD 0.007%). This variant has not been reported in the literature in individuals affected with MMP14-related conditions. Advanced modeling of protein sequence and biophysical properties (such as structural, functional, and spatial information, amino acid conservation, physicochemical variation, residue mobility, and thermodynamic stability) performed at Invitae indicates that this missense variant is not expected to disrupt MMP14 protein function. In summary, the available evidence is currently insufficient to determine the role of this variant in disease. Therefore, it has been classified as a Variant of Uncertain Significance.

NM_004995.4(MMP14):c.448G>A (p.Val150Met)

Gene: MMP14 (matrix metallopeptidase 14; plus strand). Cytogenetic location: 14q11.2.
Variant type: single nucleotide variant.
Coding change: c.448G>A on transcript NM_004995.4 (MANE Select); coding-DNA position 448, G replaced by A.
Protein change: p.Val150Met; replaces valine 150 with methionine.
Molecular consequence: missense variant.
Genome position (GRCh38, 1-based): chr14:22,842,477, G>A. VCF-style: chr14-22842477-G-A. GRCh37 (hg19) VCF-style: chr14-23311686-G-A.
Other names: short protein forms V150M.
Identifiers: ClinVar variation 1938863 (VCV001938863.5), dbSNP rs189387225, ClinGen allele CA7105180.